The following is an entry in ClinVar:

NM_170665.4(ATP2A2):c.1627A>G (p.Lys543Glu)

Gene: ATP2A2 (ATPase sarcoplasmic/endoplasmic reticulum Ca2+ transporting 2; plus strand). Cytogenetic location: 12q24.11.
Variant type: single nucleotide variant.
Coding change: c.1627A>G on transcript NM_170665.4 (MANE Select); coding-DNA position 1627, A replaced by G.
Protein change: p.Lys543Glu; replaces lysine 543 with glutamic acid.
Molecular consequence: missense variant.
Genome position (GRCh38, 1-based): chr12:110,339,587, A>G. VCF-style: chr12-110339587-A-G. GRCh37 (hg19) VCF-style: chr12-110777392-A-G.
Other names: c.1627A>G, p.Lys543Glu (NM_001681.4); short protein forms K543E.
Identifiers: ClinVar variation 881954 (VCV000881954.5), dbSNP rs766125552, ClinGen allele CA6783942.
Genomic context (GRCh38, chr12:110,339,587, plus strand): 5'-AGGTGCACCCACATTCGAGTTGGAAGTACTAAGGTTCCTATGACCTCTGGAGTCAAACAG[A>G]AGATCATGTCTGTCATTCGAGAGTGGGGTAGTGGCAGCGACACACTGCGATGCCTGGCCC-3'
Protein context (NP_733765.1, residues 533-553): KVPMTSGVKQ[Lys543Glu]IMSVIREWGS

ClinVar aggregate classification (germline): Conflicting classifications of pathogenicity. Review status: criteria provided, conflicting classifications (1 of 4 stars). 2 submissions from 2 submitters: Uncertain significance (1); Likely benign (1). Last evaluated 2024-08-20.

Conditions:
Inborn genetic diseases. Identifiers: MedGen C0950123, MeSH D030342.
Keratosis follicularis (DAR). Also called: Darier disease; Darier's disease. Identifiers: Orphanet 218, MedGen C0022595, MONDO:0007417, OMIM 124200.

Allele frequency attached by ClinVar (database versions not stated): gnomAD exomes 0.00001 and 0.00002; ExAC 0.00002; TOPMed 0.00006; gnomAD 0.00009.
gnomAD v4.1: 19 of 1,614,118 alleles (0.0012%); highest among the groups gnomAD compares: Admixed American, 0.032%; no homozygotes.

Submissions (2):

Ambry Genetics
Classification: Uncertain significance for Inborn genetic diseases. Last evaluated: 2024-08-20. Review status: criteria provided, single submitter. Criteria: Ambry Variant Classification Scheme 2023. Collection method: clinical testing. Allele origin: germline.

Illumina Laboratory Services, Illumina
Classification: Likely benign for Keratosis follicularis. Last evaluated: 2018-03-06. Review status: criteria provided, single submitter. Criteria: ICSL Variant Classification Criteria 13 December 2019. Collection method: clinical testing. Allele origin: germline.
Comment: This variant was observed in the ICSL laboratory as part of a predisposition screen in an ostensibly healthy population. It had not been previously curated by ICSL or reported in the Human Gene Mutation Database (HGMD: prior to June 1st, 2018), and was therefore a candidate for classification through an automated scoring system. Utilizing variant allele frequency, disease prevalence and penetrance estimates, and inheritance mode, an automated score was calculated to assess if this variant is too frequent to cause the disease. Based on the score and internal cut-off values, a variant classified as likely benign is not then subjected to further curation. The score for this variant resulted in a classification of likely benign for this disease.